The following is an entry in ClinVar:

ClinVar aggregate classification (germline): Pathogenic (1 of 4 stars; one submission).

Conditions:
Neurofibromatosis, type 1 (NF1). Also called: VON RECKLINGHAUSEN DISEASE; Peripheral type neurofibromatosis; Neurofibromatosis, type I; NEUROFIBROMATOSIS, TYPE I, SOMATIC. Identifiers: Orphanet 636, MedGen C0027831, MONDO:0018975, OMIM 162200. Disease mechanism: loss of function.

Submission:

Labcorp Genetics (formerly Invitae), Labcorp
Classification: Pathogenic for Neurofibromatosis, type 1. Last evaluated: 2022-12-29. Review status: criteria provided, single submitter. Criteria: Invitae Variant Classification Sherloc (09022015). Collection method: clinical testing. Allele origin: germline.
Comment: For these reasons, this variant has been classified as Pathogenic. This premature translational stop signal has been observed in individual(s) with neurofibromatosis, type 1 (PMID: 35240321). This variant is not present in population databases (gnomAD no frequency). This sequence change creates a premature translational stop signal (p.Cys680Leufs*20) in the NF1 gene. It is expected to result in an absent or disrupted protein product. Loss-of-function variants in NF1 are known to be pathogenic (PMID: 10712197, 23913538).

Literature cited by the submitters: PubMed 35240321; PubMed 10712197; PubMed 23913538.

NM_001042492.3(NF1):c.2038dup (p.Cys680fs)

Gene: NF1 (neurofibromin 1; plus strand). Cytogenetic location: 17q11.2.
Variant type: Duplication.
Coding change: c.2038dup on transcript NM_001042492.3 (MANE Select); coding-DNA position 2038, one base duplicated (T; older notation c.2038dupT).
Protein change: p.Cys680fs; shifts the reading frame from cysteine 680.
Molecular consequence: frameshift variant.
Genome position (GRCh38, 1-based): chr17:31,226,471, T duplicated; the last of 3 consecutive T bases (chr17:31,226,469-31,226,471); duplicating any one gives the same sequence. VCF-style (leftmost placement, unchanged base first): chr17-31226468-A-AT. GRCh37 (hg19) VCF-style: chr17-29553486-A-AT.
Other names: c.2038dup, p.Cys680Leufs (NM_000267.4); short protein forms C680fs.
Identifiers: ClinVar variation 2824658 (VCV002824658.3), dbSNP rs2508154794, ClinGen allele CA2695225303.
Genomic context (GRCh38, chr17:31,226,468, plus strand): 5'-TATATGTCTTCCACCCTTGACTCTCAGGATAGTGCAGCAGGATGCAGCGGAACCCCCCCG[A>AT]TTTGCCGACAAGCCCAGACCAAACTAGAAGTGGCCCTGTACATGTTTCTGTGGAACCCTG-3'